The following is an entry in ClinVar:

NM_152906.7(TANGO2):c.710+63C>T

Gene: TANGO2 (transport and golgi organization 2 homolog; plus strand). Cytogenetic location: 22q11.21.
Variant type: single nucleotide variant.
Coding change: c.710+63C>T on transcript NM_152906.7 (MANE Select); 63 bases into the intron after coding-DNA position 710, C replaced by T.
Molecular consequence: intron variant. On other transcripts: missense variant (6).
Genome position (GRCh38, 1-based): chr22:20,063,505, C>T. VCF-style: chr22-20063505-C-T. GRCh37 (hg19) VCF-style: chr22-20051028-C-T.
Other names: c.896C>T, p.Pro299Leu (NM_001322141.2); c.773C>T, p.Pro258Leu (NM_001322142.2); c.671C>T, p.Pro224Leu (NM_001322146.2); c.479C>T, p.Pro160Leu (NM_001322150.2, NM_001322153.2, NM_001322155.2); c.710+63C>T (NM_001283106.3, NM_001283116.3); c.524+63C>T (NM_001322163.2, NM_001283179.3, NM_001322167.2 and 2 more transcripts); c.416+63C>T (NM_001322174.2, NM_001322172.2, NM_001322175.2 and 3 more transcripts); c.606+63C>T (NM_001322160.2); and 9 more; short protein forms P224L, P258L, P160L, P299L.
Identifiers: ClinVar variation 4986787 (VCV004986787.1).
Genomic context (GRCh38, chr22:20,063,505, plus strand): 5'-ATTGCAGCACCGTGGGTGCGCCACCTCCTATCCCATGTCCCACCTCCCACGCTAGAGGGC[C>T]GGCAAAGAAGCCAAGTGCCCATAGCCAGAGCCAGGCTTCTTCCTCGCCTGAGTGGATTCC-3'

ClinVar aggregate classification (germline): Uncertain significance (1 of 4 stars; one submission).

Conditions:
TANGO2-related disorder. Also called: TANGO2-related condition.

gnomAD v4.1: 109 of 1,433,954 alleles (0.0076%); highest among the groups gnomAD compares: Middle Eastern, 0.14%; 1 homozygote.

Submission:

PreventionGenetics, part of Exact Sciences
Classification: Uncertain significance for TANGO2-related condition. Last evaluated: 2025-10-22. Review status: criteria provided, single submitter. Criteria: ACMG Guidelines, 2015. Collection method: clinical testing. Allele origin: germline.
Comment: The TANGO2 c.896C>T variant is predicted to result in the amino acid substitution p.Pro299Leu. To our knowledge, this variant has not been reported in the literature. This variant is reported in 0.013% of alleles in individuals of European (Non-Finnish) descent in gnomAD. At this time, the clinical significance of this variant is uncertain due to the absence of conclusive functional and genetic evidence.